The following is an entry in ClinVar:

ClinVar aggregate classification (germline): Benign. Review status: criteria provided, single submitter (1 of 4 stars). 2 submissions from 2 submitters: Benign (1). 1 of the submissions does not count toward it. Last evaluated 2019-12-31.

Conditions:
ULK4-related disorder. Also called: ULK4-related condition.

Allele frequency attached by ClinVar (database versions not stated): gnomAD exomes 0.00009 and 0.00023; ExAC 0.00026; ESP Exome Variant Server 0.00083; gnomAD 0.00100 and 0.00110; TOPMed 0.00104; 1000 Genomes Project 0.00120; 1000 Genomes Project 30x 0.00156.
gnomAD v4.1: 292 of 1,610,200 alleles (0.018%); highest among the groups gnomAD compares: African/African-American, 0.34%; 1 homozygote.

Submissions (2):

Labcorp Genetics (formerly Invitae), Labcorp
Classification: Benign. Last evaluated: 2019-12-31. Review status: criteria provided, single submitter. Criteria: Invitae Variant Classification Sherloc (09022015). Collection method: clinical testing. Allele origin: germline.

PreventionGenetics, part of Exact Sciences
Classification: Likely benign for ULK4-related condition. Last evaluated: 2019-04-30. Review status: no assertion criteria provided. Collection method: clinical testing. Allele origin: germline. Not counted in ClinVar's aggregate classification.
Comment: This variant is classified as likely benign based on ACMG/AMP sequence variant interpretation guidelines (Richards et al. 2015 PMID: 25741868, with internal and published modifications).

NM_017886.4(ULK4):c.1626T>C (p.Ala542=)

Gene: ULK4 (unc-51 like kinase 4; minus strand). Cytogenetic location: 3p22.1.
Variant type: single nucleotide variant.
Coding change: c.1626T>C on transcript NM_017886.4 (MANE Select); coding-DNA position 1626, T replaced by C.
Protein change: p.Ala542=; no amino-acid change (alanine 542 retained).
Molecular consequence: synonymous variant. On other transcripts: non-coding transcript variant (1).
Genome position (GRCh38, 1-based): chr3:41,883,904, A>G on the plus strand (T>C on the coding strand, the complement: ULK4 is on the minus strand). VCF-style: chr3-41883904-A-G. GRCh37 (hg19) VCF-style: chr3-41925396-A-G.
Other names: c.1626T>C, p.Ala542= (NM_001322500.2); c.720T>C, p.Ala240= (NM_001322501.2).
Identifiers: ClinVar variation 787013 (VCV000787013.6), dbSNP rs374807458, ClinGen allele CA2332233.